The following is an entry in ClinVar:

NM_001036.6(RYR3):c.9481T>C (p.Cys3161Arg)

Gene: RYR3 (ryanodine receptor 3; plus strand). Cytogenetic location: 15q14.
Variant type: single nucleotide variant.
Coding change: c.9481T>C on transcript NM_001036.6 (MANE Select); coding-DNA position 9481, T replaced by C.
Protein change: p.Cys3161Arg; replaces cysteine 3161 with arginine.
Molecular consequence: missense variant.
Genome position (GRCh38, 1-based): chr15:33,785,874, T>C. VCF-style: chr15-33785874-T-C. GRCh37 (hg19) VCF-style: chr15-34078075-T-C.
Other names: c.9481T>C, p.Cys3161Arg (NM_001243996.4); short protein forms C3161R.
Identifiers: ClinVar variation 5005386 (VCV005005386.2).

ClinVar aggregate classification (germline): Uncertain significance (1 of 4 stars; one submission).

Conditions:
Congenital myopathy 20 (CMYO20). Identifiers: MedGen C5830393, MONDO:0957215, OMIM 620310.

Submission:

Juno Genomics, Hangzhou Juno Genomics, Inc
Classification: Uncertain significance for Congenital myopathy 20. Review status: criteria provided, single submitter. Criteria: ACMG Guidelines, 2015. Collection method: clinical testing. Allele origin: germline.
Comment: Absent from controls (or at extremely low frequency if recessive) in Genome Aggregation Database.;Multiple lines of computational evidence support a deleterious effect on the gene or gene product.